The following is an entry in ClinVar:

NM_001005273.3(CHD3):c.176A>C (p.Glu59Ala)

Gene: CHD3 (chromodomain helicase DNA binding protein 3; plus strand). Cytogenetic location: 17p13.1.
Variant type: single nucleotide variant.
Coding change: c.176A>C on transcript NM_001005273.3 (MANE Select); coding-DNA position 176, A replaced by C.
Protein change: p.Glu59Ala; replaces glutamic acid 59 with alanine.
Molecular consequence: missense variant.
Genome position (GRCh38, 1-based): chr17:7,889,739, A>C. VCF-style: chr17-7889739-A-C. GRCh37 (hg19) VCF-style: chr17-7793057-A-C.
Other names: c.353A>C, p.Glu118Ala (NM_001005271.3, NM_001437504.1, NM_001437507.1 and 2 more transcripts); c.176A>C, p.Glu59Ala (NM_005852.4); short protein forms E118A, E59A.
Identifiers: ClinVar variation 4076913 (VCV004076913.1).
Genomic context (GRCh38, chr17:7,889,739, plus strand): 5'-GGCTGCTGCCGTCAGCATTGGGTGTGAAGAAGAGAAAACGAGGACCCAAGAAGCAGAAGG[A>C]GAACAAGCCAGGAAAACCCCGAAAACGCAAGAAGCGTGTAAGTGTCAAGAATTCCTAACT-3'
Protein context (NP_001005273.1, residues 49-69): KRKRGPKKQK[Glu59Ala]NKPGKPRKRK

ClinVar aggregate classification (germline): Uncertain significance (1 of 4 stars; one submission).

gnomAD v4.1: 2 of 1,613,152 alleles (0.00012%); highest among the groups gnomAD compares: African/African-American, 0.0027%; no homozygotes.

Submission:

GeneDx
Classification: Uncertain significance. Last evaluated: 2025-02-21. Review status: criteria provided, single submitter. Criteria: GeneDx Variant Classification Process June 2021. Collection method: clinical testing. Allele origin: germline. Affected: yes.
Comment: Not observed at significant frequency in large population cohorts (gnomAD); In silico analysis supports that this missense variant has a deleterious effect on protein structure/function; Has not been previously published as pathogenic or benign to our knowledge